The following is an entry in ClinVar:

ClinVar aggregate classification (germline): Pathogenic/Likely pathogenic. Review status: criteria provided, multiple submitters, no conflicts (2 of 4 stars). 3 submissions from 3 submitters: Pathogenic (2); Likely pathogenic (1). Last evaluated 2022-06-27.

Conditions:
Syndromic X-linked intellectual disability Najm type (MICPCH). Also called: MICPCH SYNDROME; Intellectual developmental disorder and microcephaly with pontine and cerebellar hypoplasia; Intellectual Disability and Microcephaly with Pontine and Cerebellar Hypoplasia (MICPCH); Mental retardation and microcephaly with pontine and cerebellar hypoplasia; MENTAL RETARDATION, X-LINKED, SYNDROMIC, NAJM TYPE; Intellectual Disability and Microcephaly with Pontine and Cerebellar Hypoplasia. Identifiers: Orphanet 163937, MedGen C2677903, MONDO:0010417, OMIM 300749.

Submissions (3):

Laboratory of Human Genetics, Universidade de São Paulo
Classification: Pathogenic for Syndromic X-linked intellectual disability Najm type. Last evaluated: 2022-06-27. Review status: criteria provided, single submitter. Criteria: ACMG Guidelines, 2015. Collection method: research. Allele origin: de novo. Affected: yes. Observed: 1 variant allele, 1 heterozygote.
Comment: This variant meets our criteria to be classified as pathogenic based upon segregation studies, absence from controls, and in-silico evaluation of pathogenicity.

Mendelics
Classification: Likely pathogenic for Syndromic X-linked intellectual disability Najm type. Last evaluated: 2019-05-28. Review status: criteria provided, single submitter. Criteria: Mendelics Assertion Criteria 2017. Collection method: clinical testing. Allele origin: unknown.

GeneDx
Classification: Pathogenic. Last evaluated: 2018-02-09. Review status: criteria provided, single submitter. Criteria: GeneDx Variant Classification (06012015). Collection method: clinical testing. Allele origin: germline. Affected: yes.
Comment: The R537X variant in the CASK gene has been reported previously in females with MICPCH (Seto et al., 2017; DeLuca et al., 2017). This variant is predicted to cause loss of normal protein function either through protein truncation or nonsense-mediated mRNA decay. The R537X variant is not observed in large population cohorts (Lek et al., 2016). We interpret R537X as a pathogenic variant.

NM_001367721.1(CASK):c.1609C>T (p.Arg537Ter)

Gene: CASK (calcium/calmodulin dependent serine protein kinase; minus strand). Cytogenetic location: Xp11.4.
Variant type: single nucleotide variant.
Coding change: c.1609C>T on transcript NM_001367721.1 (MANE Select); coding-DNA position 1609, C replaced by T.
Protein change: p.Arg537Ter; replaces arginine 537 with a stop codon.
Molecular consequence: nonsense.
Genome position (GRCh38, 1-based): chrX:41,561,618, G>A on the plus strand (C>T on the coding strand, the complement: CASK is on the minus strand). VCF-style: chrX-41561618-G-A. GRCh37 (hg19) VCF-style: chrX-41420871-G-A.
Other names: c.1609C>T, p.Arg537Ter (NM_001126054.3, NM_003688.4); c.1591C>T, p.Arg531Ter (NM_001126055.3, NM_001410745.1); short protein forms R537*, R531*.
Identifiers: ClinVar variation 503609 (VCV000503609.5), dbSNP rs1555981717, ClinGen allele CA412995016.